The following is an entry in ClinVar:

NM_006269.2(RP1):c.6338CCT[1] (p.Ser2114del)

Gene: RP1 (RP1 axonemal microtubule associated; plus strand). Cytogenetic location: 8q12.1.
Variant type: Microsatellite.
Coding change: c.6338CCT[1] on transcript NM_006269.2 (MANE Select); one copy of the 3-base unit CCT starting at c.6338; the reference has two copies in a row; one copy, 3 bases deleted.
Protein change: p.Ser2114del; deletes serine 2114.
Molecular consequence: inframe deletion. On other transcripts: intron variant (1).
Genome position (GRCh38, 1-based): chr8:54,630,223-54,630,225, CCT deleted; deleting any 3 consecutive bases within chr8:54,630,220-54,630,225 gives the same sequence; the position shown is the placement nearest the transcript's 3' end. VCF-style (leftmost placement, unchanged base first): chr8-54630219-ACCT-A. GRCh37 (hg19) VCF-style: chr8-55542779-ACCT-A.
Other names: c.787+7935_787+7937del (NM_001375654.1); short protein forms S2114del.
Identifiers: ClinVar variation 1010746 (VCV001010746.8), dbSNP rs749093680, ClinGen allele CA4752227.

ClinVar aggregate classification (germline): Uncertain significance (1 of 4 stars; one submission).

Submission:

Labcorp Genetics (formerly Invitae), Labcorp
Classification: Uncertain significance. Last evaluated: 2026-01-27. Review status: criteria provided, single submitter. Criteria: Invitae Variant Classification Sherloc (09022015). Collection method: clinical testing. Allele origin: germline.
Comment: This variant, c.6341_6343del, results in the deletion of 1 amino acid(s) of the RP1 protein (p.Ser2114del), but otherwise preserves the integrity of the reading frame. This variant is present in population databases (rs749093680, gnomAD 0.03%). This variant has been observed in individual(s) with retinitis pigmentosa (PMID: 33681214). Experimental studies and prediction algorithms are not available or were not evaluated, and the functional significance of this variant is currently unknown. In summary, the available evidence is currently insufficient to determine the role of this variant in disease. Therefore, it has been classified as a Variant of Uncertain Significance.

Literature cited by the submitters: PubMed 33681214.